The following is an entry in ClinVar:

NM_000096.4(CP):c.249T>C (p.Thr83=)

Gene: CP (ceruloplasmin; minus strand). Cytogenetic location: 3q25.1.
Variant type: single nucleotide variant.
Coding change: c.249T>C on transcript NM_000096.4 (MANE Select); coding-DNA position 249, T replaced by C.
Protein change: p.Thr83=; no amino-acid change (threonine 83 retained).
Molecular consequence: synonymous variant. On other transcripts: non-coding transcript variant (1).
Genome position (GRCh38, 1-based): chr3:149,212,596, A>G on the plus strand (T>C on the coding strand, the complement: CP is on the minus strand). VCF-style: chr3-149212596-A-G. GRCh37 (hg19) VCF-style: chr3-148930383-A-G.
Other names: p.Thr83=.
Identifiers: ClinVar variation 532020 (VCV000532020.13), dbSNP rs138512757, ClinGen allele CA2661358.

ClinVar aggregate classification (germline): Likely benign. Review status: criteria provided, multiple submitters, no conflicts (2 of 4 stars). 4 submissions from 4 submitters: Likely benign (4). Last evaluated 2026-01-19.

Conditions:
Deficiency of ferroxidase (ACEP). Also called: NEURODEGENERATION WITH BRAIN IRON ACCUMULATION 10; Aceruloplasminemia; Ceruloplasmin deficiency; Familial apoceruloplasmin deficiency; Hereditary ceruloplasmin deficiency; Deficiency of ceruloplasmin. Identifiers: Orphanet 48818, MedGen C0878682, MONDO:0011426, OMIM 604290, HP:0025498.

Allele frequency attached by ClinVar (database versions not stated): gnomAD exomes 0.00011 and 0.00017; ExAC 0.00016; ESP Exome Variant Server 0.00054; gnomAD 0.00056 and 0.00058; TOPMed 0.00072.
gnomAD v4.1: 256 of 1,614,022 alleles (0.016%); highest among the groups gnomAD compares: African/African-American, 0.18%; no homozygotes.

Submissions (4):

Labcorp Genetics (formerly Invitae), Labcorp
Classification: Likely benign for Deficiency of ferroxidase. Last evaluated: 2026-01-19. Review status: criteria provided, single submitter. Criteria: Invitae Variant Classification Sherloc (09022015). Collection method: clinical testing. Allele origin: germline.

Mayo Clinic Laboratories, Mayo Clinic
Classification: Likely benign. Last evaluated: 2024-10-14. Review status: criteria provided, single submitter. Criteria: ACMG Guidelines, 2015. Collection method: clinical testing. Allele origin: germline. Observed: 1 variant allele.
Comment: BS1, BP4, BP7

Blueprint Genetics
Classification: Likely benign. Last evaluated: 2024-09-13. Review status: criteria provided, single submitter. Criteria: ACMG Guidelines, 2015. Collection method: clinical testing. Allele origin: germline.

Breakthrough Genomics
Classification: Likely benign. Review status: criteria provided, single submitter. Criteria: ACMG Guidelines, 2015. Collection method: not provided. Allele origin: germline. Inheritance: Autosomal recessive inheritance. Affected: yes.